The following is an entry in ClinVar:

NM_006265.3(RAD21):c.1756C>T (p.Arg586Ter)

Gene: RAD21 (RAD21 cohesin complex component; minus strand). Cytogenetic location: 8q24.11.
Variant type: single nucleotide variant.
Coding change: c.1756C>T on transcript NM_006265.3 (MANE Select); coding-DNA position 1756, C replaced by T.
Protein change: p.Arg586Ter; replaces arginine 586 with a stop codon.
Molecular consequence: nonsense.
Genome position (GRCh38, 1-based): chr8:116,847,640, G>A on the plus strand (C>T on the coding strand, the complement: RAD21 is on the minus strand). VCF-style: chr8-116847640-G-A. GRCh37 (hg19) VCF-style: chr8-117859879-G-A.
Other names: short protein forms R586*.
Identifiers: ClinVar variation 3340858 (VCV003340858.1).
Genomic context (GRCh38, chr8:116,847,640, plus strand): 5'-GCTTTTTAAGAACCAAGAAGCTGTAGAACTTTGCGGCAGCTTGTTTTCTGTTCGTATTTC[G>A]ACATAACTCAAGCAAACTGATAGATTCAGCTCCAGTTTTAGCAAGAGCACGCTGAAATAA-3'

ClinVar aggregate classification (germline): Pathogenic (1 of 4 stars; one submission).

Submission:

GeneDx
Classification: Pathogenic. Last evaluated: 2023-12-16. Review status: criteria provided, single submitter. Criteria: GeneDx Variant Classification Process June 2021. Collection method: clinical testing. Allele origin: germline. Affected: yes.
Comment: Nonsense variant predicted to result in protein truncation, as the last 46 amino acids are lost, and other loss-of-function variants have been reported downstream in HGMD; Not observed at significant frequency in large population cohorts (gnomAD); This variant is associated with the following publications: (PMID: 33386779, 33351783, 32687945, 33928020, 32193685)